The following is an entry in ClinVar:

NM_003394.4(WNT10B):c.148dup (p.Thr50fs)

Gene: WNT10B (Wnt family member 10B; minus strand). Cytogenetic location: 12q13.12.
Variant type: Duplication.
Coding change: c.148dup on transcript NM_003394.4 (MANE Select); coding-DNA position 148, one base duplicated (A; older notation c.148dupA).
Protein change: p.Thr50fs; shifts the reading frame from threonine 50.
Molecular consequence: frameshift variant.
Genome position (GRCh38, 1-based): chr12:48,970,278, T duplicated on the plus strand (A on the coding strand, the reverse complement: WNT10B is on the minus strand). VCF-style (leftmost placement, unchanged base first): chr12-48970277-G-GT. GRCh37 (hg19) VCF-style: chr12-49364060-G-GT.
Other names: short protein forms T50fs.
Identifiers: ClinVar variation 4291871 (VCV004291871.1).

ClinVar aggregate classification (germline): Likely pathogenic (1 of 4 stars; one submission).

Conditions:
Split hand-foot malformation 6. Also called: ECTRODACTYLY, AUTOSOMAL RECESSIVE. Identifiers: Orphanet 2440, MedGen C2749665, MONDO:0009157, OMIM 225300.

Submission:

3billion
Classification: Likely pathogenic for Split hand-foot malformation 6. Last evaluated: 2024-09-03. Review status: criteria provided, single submitter. Criteria: ACMG Guidelines, 2015. Collection method: clinical testing. Allele origin: germline. Affected: yes.
Comment: The variant is observed at an extremely low frequency in the gnomAD v4.0.0 dataset (total allele frequency: <0.001%). Predicted Consequence/Location: Frameshift: predicted to result in a loss or disruption of normal protein function through nonsense-mediated decay (NMD) or protein truncation. Multiple pathogenic variants are reported downstream of the variant. Therefore, this variant is classified as Likely pathogenic according to the recommendation of ACMG/AMP guideline.